The following is an entry in ClinVar:

ClinVar aggregate classification (germline): Uncertain significance (1 of 4 stars; one submission).

Allele frequency attached by ClinVar (database versions not stated): ExAC 0.00002; gnomAD exomes 0.00002 and 0.00003; gnomAD 0.00003 and 0.00004; TOPMed 0.00003.
gnomAD v4.1: 56 of 1,614,132 alleles (0.0035%); highest among the groups gnomAD compares: Non-Finnish European, 0.0039%; no homozygotes.

Submission:

Labcorp Genetics (formerly Invitae), Labcorp
Classification: Uncertain significance. Last evaluated: 2021-08-24. Review status: criteria provided, single submitter. Criteria: Invitae Variant Classification Sherloc (09022015). Collection method: clinical testing. Allele origin: germline.
Comment: This sequence change replaces proline with leucine at codon 317 of the DIP2C protein (p.Pro317Leu). The proline residue is highly conserved and there is a moderate physicochemical difference between proline and leucine. This variant is present in population databases (rs780160530, ExAC 0.005%). This variant has not been reported in the literature in individuals with DIP2C-related conditions. Algorithms developed to predict the effect of missense changes on protein structure and function are either unavailable or do not agree on the potential impact of this missense change (SIFT: "Deleterious"; PolyPhen-2: "Probably Damaging"; Align-GVGD: "Class C0"). In summary, the available evidence is currently insufficient to determine the role of this variant in disease. Therefore, it has been classified as a Variant of Uncertain Significance.

NM_014974.3(DIP2C):c.950C>T (p.Pro317Leu)

Gene: DIP2C (DIP2 acetate--CoA ligase C (putative); minus strand). Cytogenetic location: 10p15.3.
Variant type: single nucleotide variant.
Coding change: c.950C>T on transcript NM_014974.3 (MANE Select); coding-DNA position 950, C replaced by T.
Protein change: p.Pro317Leu; replaces proline 317 with leucine.
Molecular consequence: missense variant.
Genome position (GRCh38, 1-based): chr10:414,020, G>A on the plus strand (C>T on the coding strand, the complement: DIP2C is on the minus strand). VCF-style: chr10-414020-G-A. GRCh37 (hg19) VCF-style: chr10-459960-G-A.
Other names: short protein forms P317L.
Identifiers: ClinVar variation 1463439 (VCV001463439.8), dbSNP rs780160530, ClinGen allele CA5381135.